The following is an entry in ClinVar:

ClinVar aggregate classification (germline): Benign. Review status: criteria provided, multiple submitters, no conflicts (2 of 4 stars). 2 submissions from 2 submitters: Benign (2). Last evaluated 2018-06-14.

Allele frequency attached by ClinVar (database versions not stated): 1000 Genomes Project 0.05791; 1000 Genomes Project 30x 0.06184; TOPMed 0.09167; gnomAD 0.10067 and 0.10393; gnomAD exomes 0.10960.
gnomAD v4.1: 64,729 of 603,920 alleles (11%); highest among the groups gnomAD compares: Non-Finnish European, 13%; 4,146 homozygotes.

Submissions (2):

GeneDx
Classification: Benign. Last evaluated: 2018-06-14. Review status: criteria provided, single submitter. Criteria: GeneDx Variant Classification (06012015). Collection method: clinical testing. Allele origin: germline. Affected: yes.
Comment: This variant is considered likely benign or benign based on one or more of the following criteria: it is a conservative change, it occurs at a poorly conserved position in the protein, it is predicted to be benign by multiple in silico algorithms, and/or has population frequency not consistent with disease.

Breakthrough Genomics
Classification: Benign. Review status: criteria provided, single submitter. Criteria: ACMG Guidelines, 2015. Collection method: not provided. Allele origin: germline. Inheritance: Autosomal recessive inheritance. Affected: yes.

NM_001077365.2(POMT1):c.855+225A>G

Gene: POMT1 (protein O-mannosyltransferase 1; plus strand). Cytogenetic location: 9q34.13.
Variant type: single nucleotide variant.
Coding change: c.855+225A>G on transcript NM_001077365.2 (MANE Select); 225 bases into the intron after coding-DNA position 855, A replaced by G.
Molecular consequence: intron variant.
Genome position (GRCh38, 1-based): chr9:131,510,640, A>G. VCF-style: chr9-131510640-A-G. GRCh37 (hg19) VCF-style: chr9-134386027-A-G.
Other names: c.759+225A>G (NM_001353198.2, NM_001353197.2); c.921+225A>G (NM_001353193.2, NM_007171.4); c.855+225A>G (NM_001136113.2, NM_001374690.1); c.693+225A>G (NM_001353194.2, NM_001077366.2, NM_001374693.1); c.504+225A>G (NM_001374691.1, NM_001353195.2, NM_001374692.1 and 1 more transcripts); c.765+225A>G (NM_001353196.2); c.465+225A>G (NM_001374695.1); c.838+225A>G (NM_001374689.1); and 2 more.
Identifiers: ClinVar variation 670859 (VCV000670859.2), dbSNP rs117287406, ClinGen allele CA13109158.
Genomic context (GRCh38, chr9:131,510,640, plus strand): 5'-CCCAAACTCCGCCTCCTGGCTTCAAGCGATTCTCCTACCTCAGCCTCCCAAGTAGCTGGT[A>G]TTACAAGCACCTGCAACCACACCCAGCTAATTTTTTTGTTTTGTTGGTAGAGATGGGGTT-3'